The following is an entry in ClinVar:

ClinVar aggregate classification (germline): Uncertain significance (1 of 4 stars; one submission).

gnomAD v4.1: 38 of 1,613,880 alleles (0.0024%); highest among the groups gnomAD compares: Non-Finnish European, 0.0031%; no homozygotes.

Submission:

Ambry Genetics
Classification: Uncertain significance. Last evaluated: 2024-11-24. Review status: criteria provided, single submitter. Criteria: Ambry Variant Classification Scheme 2023. Collection method: clinical testing. Allele origin: germline.
Comment: The p.P515L variant (also known as c.1544C>T), located in coding exon 2 of the CDK12 gene, results from a C to T substitution at nucleotide position 1544. The proline at codon 515 is replaced by leucine, an amino acid with similar properties. This amino acid position is conserved. In addition, this alteration is predicted to be tolerated by in silico analysis. Based on the available evidence, the clinical significance of this variant remains unclear.

NM_016507.4(CDK12):c.1544C>T (p.Pro515Leu)

Gene: CDK12 (cyclin dependent kinase 12; plus strand). Cytogenetic location: 17q12.
Variant type: single nucleotide variant.
Coding change: c.1544C>T on transcript NM_016507.4 (MANE Select); coding-DNA position 1544, C replaced by T.
Protein change: p.Pro515Leu; replaces proline 515 with leucine.
Molecular consequence: missense variant.
Genome position (GRCh38, 1-based): chr17:39,471,376, C>T. VCF-style: chr17-39471376-C-T. GRCh37 (hg19) VCF-style: chr17-37627629-C-T.
Other names: c.1544C>T, p.Pro515Leu (NM_015083.4); short protein forms P515L.
Identifiers: ClinVar variation 3489270 (VCV003489270.1).
Genomic context (GRCh38, chr17:39,471,376, plus strand): 5'-TGAAAGCACAGGGAACAAGAGACTCTAAACCCATAGCACTGAAAGAGGAGATTGTTACTC[C>T]AAAGGAGACAGAAACATCAGAAAAGGAGACCCCTCCACCTCTTCCCACAATTGCTTCTCC-3'
Protein context (NP_057591.2, residues 505-525): PIALKEEIVT[Pro515Leu]KETETSEKET